The following is an entry in ClinVar:

ClinVar aggregate classification (germline): Uncertain significance (1 of 4 stars; one submission).

Submission:

Labcorp Genetics (formerly Invitae), Labcorp
Classification: Uncertain significance. Last evaluated: 2025-09-03. Review status: criteria provided, single submitter. Criteria: Invitae Variant Classification Sherloc (09022015). Collection method: clinical testing. Allele origin: germline.
Comment: This sequence change replaces aspartic acid, which is acidic and polar, with glycine, which is neutral and non-polar, at codon 226 of the ACTN1 protein (p.Asp226Gly). This variant is not present in population databases (gnomAD no frequency). This variant has not been reported in the literature in individuals affected with ACTN1-related conditions. An algorithm developed to predict the effect of missense changes on protein structure and function (PolyPhen-2) suggests that this variant is likely to be disruptive. In summary, the available evidence is currently insufficient to determine the role of this variant in disease. Therefore, it has been classified as a Variant of Uncertain Significance.

NM_001130004.2(ACTN1):c.677A>G (p.Asp226Gly)

Gene: ACTN1 (actinin alpha 1; minus strand). Cytogenetic location: 14q24.1.
Variant type: single nucleotide variant.
Coding change: c.677A>G on transcript NM_001130004.2 (MANE Select); coding-DNA position 677, A replaced by G.
Protein change: p.Asp226Gly; replaces aspartic acid 226 with glycine.
Molecular consequence: missense variant. On other transcripts: 5 prime UTR variant (1).
Genome position (GRCh38, 1-based): chr14:68,902,562, T>C on the plus strand (A>G on the coding strand, the complement: ACTN1 is on the minus strand). VCF-style: chr14-68902562-T-C. GRCh37 (hg19) VCF-style: chr14-69369279-T-C.
Other names: c.677A>G, p.Asp226Gly (NM_001102.4, NM_001130005.2, NM_001411035.1 and 9 more transcripts); c.482A>G, p.Asp161Gly (NM_001411036.1, NM_001424026.1, NM_001424028.1); c.803A>G, p.Asp268Gly (NM_001424013.1); c.764A>G, p.Asp255Gly (NM_001424015.1); c.674A>G, p.Asp225Gly (NM_001424017.1); c.614A>G, p.Asp205Gly (NM_001424018.1, NM_001424020.1, NM_001424022.1); c.608A>G, p.Asp203Gly (NM_001424021.1); c.-234A>G (NM_001424030.1); short protein forms D203G, D226G, D205G, D255G, D161G, D225G, D268G.
Identifiers: ClinVar variation 4726601 (VCV004726601.1).